The following is an entry in ClinVar:

NM_006016.6(CD164):c.194A>G (p.Asn65Ser)

Gene: CD164 (CD164 molecule; minus strand). Cytogenetic location: 6q21.
Variant type: single nucleotide variant.
Coding change: c.194A>G on transcript NM_006016.6 (MANE Select); coding-DNA position 194, A replaced by G.
Protein change: p.Asn65Ser; replaces asparagine 65 with serine.
Molecular consequence: missense variant.
Genome position (GRCh38, 1-based): chr6:109,379,644, T>C on the plus strand (A>G on the coding strand, the complement: CD164 is on the minus strand). VCF-style: chr6-109379644-T-C. GRCh37 (hg19) VCF-style: chr6-109700847-T-C.
Other names: c.194A>G (NM_006016.5); c.194A>G, p.Asn65Ser (NM_001142401.3, NM_001142402.3, NM_001142403.3 and 1 more transcripts); c.92A>G, p.Asn31Ser (NM_001346500.2); short protein forms N65S, N31S.
Identifiers: ClinVar variation 449908 (VCV000449908.35), dbSNP rs145357332, ClinGen allele CA3951656.

ClinVar aggregate classification (germline): Likely benign. Review status: criteria provided, multiple submitters, no conflicts (2 of 4 stars). 4 submissions from 4 submitters: Likely benign (3). 1 of the submissions does not count toward it. Last evaluated 2026-01-12.

Conditions:
CD164-related disorder. Also called: CD164-related condition.

Allele frequency attached by ClinVar (database versions not stated): 1000 Genomes Project 0.00060; 1000 Genomes Project 30x 0.00078; gnomAD 0.00083; gnomAD exomes 0.00087 and 0.00115; ESP Exome Variant Server 0.00092; ExAC 0.00105; TOPMed 0.00052.
gnomAD v4.1: 1,390 of 1,613,338 alleles (0.086%); highest among the groups gnomAD compares: Non-Finnish European, 0.082%; 3 homozygotes.

Submissions (4):

Labcorp Genetics (formerly Invitae), Labcorp
Classification: Likely benign. Last evaluated: 2026-01-12. Review status: criteria provided, single submitter. Criteria: Invitae Variant Classification Sherloc (09022015). Collection method: clinical testing. Allele origin: germline.

CeGaT Center for Human Genetics Tuebingen
Classification: Likely benign. Last evaluated: 2022-11-01. Review status: criteria provided, single submitter. Criteria: CeGaT Center For Human Genetics Tuebingen Variant Classification Criteria Version 2. Collection method: clinical testing. Allele origin: germline. Affected: yes. Observed: 1 variant allele.
Comment: CD164: BP4

GeneDx
Classification: Likely benign. Last evaluated: 2021-04-14. Review status: criteria provided, single submitter. Criteria: GeneDx Variant Classification Process June 2021. Collection method: clinical testing. Allele origin: germline. Affected: yes.

PreventionGenetics, part of Exact Sciences
Classification: Benign for CD164-related condition. Last evaluated: 2019-10-22. Review status: no assertion criteria provided. Collection method: clinical testing. Allele origin: germline. Not counted in ClinVar's aggregate classification.
Comment: This variant is classified as benign based on ACMG/AMP sequence variant interpretation guidelines (Richards et al. 2015 PMID: 25741868, with internal and published modifications).